The following is an entry in ClinVar:

ClinVar aggregate classification (germline): Uncertain significance (1 of 4 stars; one submission).

Conditions:
MHC class I deficiency. Identifiers: Orphanet 34592, MedGen C6024714, MONDO:0011476.

Allele frequency attached by ClinVar (database versions not stated): TOPMed 0.00004; gnomAD 0.00004 and 0.00003; gnomAD exomes 0.00005 and 0.00003; ExAC 0.00001.

Submission:

Labcorp Genetics (formerly Invitae), Labcorp
Classification: Uncertain significance for MHC class I deficiency 1. Last evaluated: 2025-07-13. Review status: criteria provided, single submitter. Criteria: Invitae Variant Classification Sherloc (09022015). Collection method: clinical testing. Allele origin: germline.
Comment: This sequence change creates a premature translational stop signal (p.Val282Alafs*15) in the TAPBP gene. It is expected to result in an absent or disrupted protein product. However, the current clinical and genetic evidence is not sufficient to establish whether loss-of-function variants in TAPBP cause disease. This variant is present in population databases (rs765712832, gnomAD 0.007%). This variant has not been reported in the literature in individuals affected with TAPBP-related conditions. ClinVar contains an entry for this variant (Variation ID: 534706). In summary, the available evidence is currently insufficient to determine the role of this variant in disease. Therefore, it has been classified as a Variant of Uncertain Significance.

NM_003190.5(TAPBP):c.845del (p.Val282fs)

Gene: TAPBP (TAP binding protein; minus strand). Cytogenetic location: 6p21.32.
Variant type: Deletion.
Coding change: c.845del on transcript NM_003190.5 (MANE Select); coding-DNA position 845, one base deleted (T; older notation c.845delT).
Protein change: p.Val282fs; shifts the reading frame from valine 282.
Molecular consequence: frameshift variant.
Genome position (GRCh38, 1-based): chr6:33,305,012, A deleted on the plus strand (T on the coding strand, the reverse complement: TAPBP is on the minus strand). VCF-style (leftmost placement, unchanged base first): chr6-33305011-GA-G. GRCh37 (hg19) VCF-style: chr6-33272788-GA-G.
Other names: c.845del, p.Val282fs (NM_172208.3); c.584del, p.Val195fs (NM_172209.3); c.845delT (NM_003190.4); short protein forms V282fs, V195fs.
Identifiers: ClinVar variation 534706 (VCV000534706.8), dbSNP rs765712832, ClinGen allele CA3755795.